The following is an entry in ClinVar:

ClinVar aggregate classification (germline): Benign/Likely benign. Review status: criteria provided, multiple submitters, no conflicts (2 of 4 stars). 3 submissions from 3 submitters: Benign (1); Likely benign (2). Last evaluated 2026-08-10.

Conditions:
Kabuki syndrome 1 (KABUK1). Also called: KMT2D-Related Kabuki Syndrome. Identifiers: Orphanet 2322, MedGen CN030661, MONDO:0007843, OMIM 147920.
Choanal atresia-athelia-hypothyroidism-delayed puberty-short stature syndrome (BCAHH). Also called: BRANCHIAL ARCH ABNORMALITIES, CHOANAL ATRESIA, ATHELIA, HEARING LOSS, AND HYPOTHYROIDISM SYNDROME. Identifiers: Orphanet 589856, MedGen C5680310, MONDO:0035651, OMIM 620186.
Kabuki syndrome. Also called: Kabuki make-up syndrome; NIIKAWA-KUROKI SYNDROME. Identifiers: Orphanet 2322, MedGen C0796004, MONDO:0016512.
KMT2D-related disorder. Also called: KMT2D-Related Disorders.

Allele frequency attached by ClinVar (database versions not stated): gnomAD 0.00001; gnomAD exomes 0.00002; TOPMed 0.00002.
gnomAD v4.1: 30 of 1,539,988 alleles (0.0019%); highest among the groups gnomAD compares: Non-Finnish European, 0.0026%; no homozygotes.

Submissions (3):

PreventionGenetics, part of Exact Sciences
Classification: Likely benign for KMT2D-related condition. Last evaluated: 2026-08-10. Review status: criteria provided, single submitter. Criteria: ACMG Guidelines, 2015. Collection method: clinical testing. Allele origin: germline.
Comment: This variant is classified as likely benign based on ACMG/AMP sequence variant interpretation guidelines (Richards et al. 2015 PMID: 25741868, with internal and published modifications).

Labcorp Genetics (formerly Invitae), Labcorp
Classification: Benign for Kabuki syndrome. Last evaluated: 2025-11-18. Review status: criteria provided, single submitter. Criteria: Invitae Variant Classification Sherloc (09022015). Collection method: clinical testing. Allele origin: germline.

Fulgent Genetics
Classification: Likely benign for Kabuki syndrome 1; Choanal atresia-athelia-hypothyroidism-delayed puberty-short stature syndrome. Last evaluated: 2024-04-10. Review status: criteria provided, single submitter. Criteria: ACMG Guidelines, 2015. Collection method: clinical testing. Allele origin: germline.

NM_003482.4(KMT2D):c.2752T>G (p.Ser918Ala)

Gene: KMT2D (lysine methyltransferase 2D; minus strand). Cytogenetic location: 12q13.12.
Variant type: single nucleotide variant.
Coding change: c.2752T>G on transcript NM_003482.4 (MANE Select); coding-DNA position 2752, T replaced by G.
Protein change: p.Ser918Ala; replaces serine 918 with alanine.
Molecular consequence: missense variant.
Genome position (GRCh38, 1-based): chr12:49,050,931, A>C on the plus strand (T>G on the coding strand, the complement: KMT2D is on the minus strand). VCF-style: chr12-49050931-A-C. GRCh37 (hg19) VCF-style: chr12-49444714-A-C.
Other names: short protein forms S918A.
Identifiers: ClinVar variation 2906445 (VCV002906445.5), dbSNP rs966453895, ClinGen allele CA236618704.